The following is an entry in ClinVar:

NM_000143.4(FH):c.556-11A>G

Gene: FH (fumarate hydratase; minus strand). Cytogenetic location: 1q43.
Variant type: single nucleotide variant.
Coding change: c.556-11A>G on transcript NM_000143.4 (MANE Select); 11 bases into the intron before coding-DNA position 556, A replaced by G.
Molecular consequence: intron variant.
Genome position (GRCh38, 1-based): chr1:241,508,796, T>C on the plus strand (A>G on the coding strand, the complement: FH is on the minus strand). VCF-style: chr1-241508796-T-C. GRCh37 (hg19) VCF-style: chr1-241672096-T-C.
Identifiers: ClinVar variation 2587055 (VCV002587055.2), dbSNP rs1660000323, ClinGen allele CA1229580717.

ClinVar aggregate classification (germline): Uncertain significance (1 of 4 stars; one submission).

Conditions:
Hereditary cancer-predisposing syndrome. Also called: Tumor predisposition; Hereditary Cancer Syndrome; Hereditary neoplastic syndrome; Neoplastic Syndromes, Hereditary. Identifiers: Orphanet 140162, MedGen C0027672, MeSH D009386, MONDO:0015356.

Submission:

Ambry Genetics
Classification: Uncertain significance for Hereditary cancer-predisposing syndrome. Last evaluated: 2023-07-19. Review status: criteria provided, single submitter. Criteria: Ambry Variant Classification Scheme 2023. Collection method: clinical testing. Allele origin: germline.
Comment: The c.556-11A>G intronic variant results from an A to G substitution 11 nucleotides upstream from coding exon 5 in the FH gene. This alteration has been observed in at least one individual with a personal and/or family history that is consistent with FH-related disease (Ambry internal data). This nucleotide position is not well conserved in available vertebrate species. In silico splice site analysis predicts that this alteration will weaken the native splice acceptor site and will result in the creation or strengthening of a novel splice acceptor site; however, direct evidence is insufficient at this time (Ambry internal data). Since supporting evidence is limited at this time, the clinical significance of this alteration remains unclear.